The following is an entry in ClinVar:

NM_005732.4(RAD50):c.2925A>G (p.Gln975=)

Gene: RAD50 (RAD50 double strand break repair protein; plus strand). Cytogenetic location: 5q31.1.
Variant type: single nucleotide variant.
Coding change: c.2925A>G on transcript NM_005732.4 (MANE Select); coding-DNA position 2925, A replaced by G.
Protein change: p.Gln975=; no amino-acid change (glutamine 975 retained).
Molecular consequence: synonymous variant.
Genome position (GRCh38, 1-based): chr5:132,609,285, A>G. VCF-style: chr5-132609285-A-G. GRCh37 (hg19) VCF-style: chr5-131944977-A-G.
Identifiers: ClinVar variation 2755859 (VCV002755859.3), dbSNP rs2479371500, ClinGen allele CA446495288.

ClinVar aggregate classification (germline): Uncertain significance (1 of 4 stars; one submission).

Conditions:
Hereditary cancer-predisposing syndrome. Also called: Neoplastic Syndromes, Hereditary; Hereditary Cancer Syndrome; Tumor predisposition; Hereditary neoplastic syndrome. Identifiers: Orphanet 140162, MedGen C0027672, MeSH D009386, MONDO:0015356.

Submission:

Labcorp Genetics (formerly Invitae), Labcorp
Classification: Uncertain significance for Hereditary cancer-predisposing syndrome. Last evaluated: 2023-08-28. Review status: criteria provided, single submitter. Criteria: Invitae Variant Classification Sherloc (09022015). Collection method: clinical testing. Allele origin: germline.
Comment: This sequence change affects codon 975 of the RAD50 mRNA. It is a 'silent' change, meaning that it does not change the encoded amino acid sequence of the RAD50 protein. This variant is not present in population databases (gnomAD no frequency). This variant has not been reported in the literature in individuals affected with RAD50-related conditions. Algorithms developed to predict the effect of sequence changes on RNA splicing suggest that this variant may create or strengthen a splice site. In summary, the available evidence is currently insufficient to determine the role of this variant in disease. Therefore, it has been classified as a Variant of Uncertain Significance.